The following is an entry in ClinVar:

ClinVar aggregate classification (germline): Uncertain significance (1 of 4 stars; one submission).

gnomAD v4.1: 2 of 1,613,850 alleles (0.00012%); highest among the groups gnomAD compares: Non-Finnish European, 0.00017%; no homozygotes.

Submission:

Women's Health and Genetics/Laboratory Corporation of America, LabCorp
Classification: Uncertain significance. Last evaluated: 2025-12-15. Review status: criteria provided, single submitter. Criteria: LabCorp Variant Classification Summary - May 2015. Collection method: clinical testing. Allele origin: germline.
Comment: Variant summary: HPS4 c.718C>T (p.Pro240Ser) results in a non-conservative amino acid change in the encoded protein sequence. Algorithms developed to predict the effect of missense changes on protein structure and function all suggest that this variant is likely to be disruptive. The frequency data for this variant in gnomAD is considered unreliable, as metrics indicate poor data quality at this position. To our knowledge, no occurrence of c.718C>T in individuals affected with HPS4-related conditions and no experimental evidence demonstrating its impact on protein function have been reported. No submitters have cited clinical-significance assessments for this variant to ClinVar. Based on the evidence outlined above, the variant was classified as uncertain significance.

NM_022081.6(HPS4):c.718C>T (p.Pro240Ser)

Gene: HPS4 (HPS4 biogenesis of lysosomal organelles complex 3 subunit 2; minus strand). Cytogenetic location: 22q12.1.
Variant type: single nucleotide variant.
Coding change: c.718C>T on transcript NM_022081.6 (MANE Select); coding-DNA position 718, C replaced by T.
Protein change: p.Pro240Ser; replaces proline 240 with serine.
Molecular consequence: missense variant. On other transcripts: non-coding transcript variant (8).
Genome position (GRCh38, 1-based): chr22:26,465,540, G>A on the plus strand (C>T on the coding strand, the complement: HPS4 is on the minus strand). VCF-style: chr22-26465540-G-A. GRCh37 (hg19) VCF-style: chr22-26861506-G-A.
Other names: c.718C>T, p.Pro240Ser (NM_001349896.1, NM_001349898.2, NM_001349899.2 and 5 more transcripts); c.772C>T, p.Pro258Ser (NM_001349900.2, NM_001349901.1); c.703C>T, p.Pro235Ser (NM_152841.2); short protein forms P235S, P240S, P258S.
Identifiers: ClinVar variation 4688284 (VCV004688284.1).
Genomic context (GRCh38, chr22:26,465,540, plus strand): 5'-CGTGGAGACTAATGGCTTCCTCTTTGGTCACAAAAACAGGGATAATCTGGACATTCGGGG[G>A]CAATGCCGCTCCTGGAATTGCAAAGCAATATGAACAGGACTTTCCCCTGAGCCAGAGAGG-3'
Protein context (NP_071364.4, residues 230-250): DAPQEHGAAL[Pro240Ser]PNVQIIPVFV